The following is an entry in ClinVar:

NM_000059.4(BRCA2):c.5909C>A (p.Ser1970Ter)

Gene: BRCA2 (BRCA2 DNA repair associated; plus strand). Cytogenetic location: 13q13.1.
Variant type: single nucleotide variant.
Coding change: c.5909C>A on transcript NM_000059.4 (MANE Select); coding-DNA position 5909, C replaced by A.
Protein change: p.Ser1970Ter; replaces serine 1970 with a stop codon.
Molecular consequence: nonsense.
Genome position (GRCh38, 1-based): chr13:32,340,264, C>A. VCF-style: chr13-32340264-C-A. GRCh37 (hg19) VCF-style: chr13-32914401-C-A.
Other names: 6137C>A; short protein forms S1970*.
Identifiers: ClinVar variation 38007 (VCV000038007.41), dbSNP rs80358824, ClinGen allele CA023362.
Genomic context (GRCh38, chr13:32,340,264, plus strand): 5'-TTAGTTTGGAAACTTCAGATATATGTAAATGTAGTATAGGGAAGCTTCATAAGTCAGTCT[C>A]ATCTGCAAATACTTGTGGGATTTTTAGCACAGCAAGTGGAAAATCTGTCCAGGTATCAGA-3'

ClinVar aggregate classification (germline): Pathogenic. Review status: reviewed by expert panel (3 of 4 stars). 25 submissions from 25 submitters: Pathogenic (1). 24 of the submissions do not count toward it. Last evaluated 2016-04-22.

Conditions:
Inherited breast cancer and ovarian cancer.
Breast and/or ovarian cancer. Identifiers: MedGen CN221562.
Hereditary cancer-predisposing syndrome. Also called: Tumor predisposition; Neoplastic Syndromes, Hereditary; Hereditary neoplastic syndrome; Hereditary Cancer Syndrome. Identifiers: Orphanet 140162, MedGen C0027672, MeSH D009386, MONDO:0015356.
Hereditary breast ovarian cancer syndrome. Also called: Hereditary breast and ovarian cancer; Hereditary breast and ovarian cancer syndrome (HBOC); Hereditary breast and/or ovarian cancer syndrome; Breast and ovarian cancer; Hereditary breast and ovarian cancer syndrome; BRCA1- and BRCA2-Associated Hereditary Breast and Ovarian Cancer. Identifiers: Orphanet 145, MedGen C0677776, MeSH D061325, MONDO:0003582. Disease mechanism: loss of function.
Breast-ovarian cancer, familial, susceptibility to, 2 (BROVCA2). Also called: BRCA2 Hereditary Breast and Ovarian Cancer. Identifiers: Orphanet 145, MedGen C2675520, MONDO:0012933, OMIM 612555. Disease mechanism: loss of function.
Familial cancer of breast. Also called: Hereditary breast cancer; BREAST CANCER, FAMILIAL; hereditary breast carcinoma. Identifiers: Orphanet 227535, MedGen C0346153, MONDO:0016419, OMIM 114480. Disease mechanism: loss of function.
Malignant tumor of breast. Also called: Malignant breast neoplasm; Cancer breast. Identifiers: MedGen C0006142, MONDO:0007254. Disease mechanism: loss of function.

gnomAD v4.1: 7 of 1,613,984 alleles (0.00043%); highest among the groups gnomAD compares: Non-Finnish European, 0.00059%; no homozygotes.

Submissions 1 to 9 of 25:

Evidence-based Network for the Interpretation of Germline Mutant Alleles (ENIGMA)
Classification: Pathogenic for Breast-ovarian cancer, familial, susceptibility to, 2. Last evaluated: 2016-04-22. Review status: reviewed by expert panel. Criteria: ENIGMA BRCA1/2 Classification Criteria (2015). Collection method: curation. Allele origin: germline.
Comment: Variant allele predicted to encode a truncated non-functional protein.

Labcorp Genetics (formerly Invitae), Labcorp
Classification: Pathogenic for Hereditary breast ovarian cancer syndrome. Last evaluated: 2026-01-11. Review status: criteria provided, single submitter. Criteria: Invitae Variant Classification Sherloc (09022015). Collection method: clinical testing. Allele origin: germline. Not counted in ClinVar's aggregate classification.
Comment: This sequence change creates a premature translational stop signal (p.Ser1970*) in the BRCA2 gene. It is expected to result in an absent or disrupted protein product. Loss-of-function variants in BRCA2 are known to be pathogenic (PMID: 20104584). This variant is not present in population databases (gnomAD no frequency). This premature translational stop signal has been observed in individual(s) with hereditary breast and ovarian cancer and prostate cancer (PMID: 8988179, 20736950, 21120943, 24556621, 24728189, 25682074, 27225819, 27469594). This variant is also known as 6137C>A. ClinVar contains an entry for this variant (Variation ID: 38007). For these reasons, this variant has been classified as Pathogenic.

Cambridge Genomics Laboratory, East Genomic Laboratory Hub, NHS Genomic Medicine Service
Classification: Pathogenic for Inherited breast cancer and ovarian cancer. Last evaluated: 2025-11-25. Review status: criteria provided, single submitter. Criteria: ACGS Best Practice Guidelines for Variant Classification in Rare Disease 2020. Collection method: clinical testing. Allele origin: germline. Affected: yes. Not counted in ClinVar's aggregate classification.
Comment: PVS1,PM2_Supporting,PM5_Strong

Genetics Laboratory, Great Ormond Street Hospital NHS Foundation Trust, North Thames Genomic Laboratory Hub
Classification: Pathogenic for Inherited breast cancer and ovarian cancer. Last evaluated: 2025-09-25. Review status: criteria provided, single submitter. Criteria: CanVIG BRCA Gene Specific V1.22. Collection method: clinical testing. Allele origin: germline. Affected: yes. Not counted in ClinVar's aggregate classification.
Comment: PS4_supporting, PM2_supporting, PVS1_very-strong, PP4_moderate

Ambry Genetics
Classification: Pathogenic for Hereditary cancer-predisposing syndrome. Last evaluated: 2025-02-15. Review status: criteria provided, single submitter. Criteria: Ambry Variant Classification Scheme 2023. Collection method: clinical testing. Allele origin: germline. Not counted in ClinVar's aggregate classification.
Comment: The p.S1970* pathogenic mutation (also known as c.5909C>A), located in coding exon 10 of the BRCA2 gene, results from a C to A substitution at nucleotide position 5909. This changes the amino acid from a serine to a stop codon within coding exon 10. This mutation has been observed in multiple individuals and families with breast and/or ovarian cancers (Leongamornlert D et al. Br. J. Cancer. 2014 Mar;110:1663-72; Wong-Brown MW et al. Breast Cancer Res. Treat. 2015 Feb;150:71-80; Maxwell KN et al. Am. J. Hum. Genet. 2016 May;98:801-17; Donenberg T et al. Breast Cancer Res. Treat. 2016 Aug;159:131-8; Song H et al. Hum. Mol. Genet. 2014 Sep;23:4703-9; Dominguez-Valentin M et al. Hered Cancer Clin Pract, 2018 Jan;16:4; Nones K et al. Ann Oncol, 2019 07;30:1071-1079; Abe T et al. J Clin Oncol, 2019 05;37:1070-1080; Labidi-Galy SI et al. Clin Cancer Res, 2018 01;24:326-333; Caux-Moncoutier V et al. Hum Mutat, 2011 Mar;32:325-34; Al-Mulla F et al. J Clin Pathol, 2009 Apr;62:350-6; Nedelcu R et al. Eur J Hum Genet, 2002 Feb;10:150-2; Peto J et al. J Natl Cancer Inst, 1999 Jun;91:943-9). Of note, this alteration is also designed as 6137C>A in published literature. This variant is considered to be rare based on population cohorts in the Genome Aggregation Database (gnomAD). In addition to the clinical data presented in the literature, this alteration is expected to result in loss of function by premature protein truncation or nonsense-mediated mRNA decay. As such, this alteration is interpreted as a disease-causing mutation.

NHS Central & South Genomic Laboratory Hub
Classification: Pathogenic for Inherited breast cancer and ovarian cancer. Last evaluated: 2024-11-11. Review status: criteria provided, single submitter. Criteria: ACMG Guidelines, 2015. Collection method: clinical testing. Allele origin: germline. Affected: yes. Not counted in ClinVar's aggregate classification.

GeneDx
Classification: Pathogenic. Last evaluated: 2024-08-30. Review status: criteria provided, single submitter. Criteria: GeneDx Variant Classification Process June 2021. Collection method: clinical testing. Allele origin: germline. Affected: yes. Not counted in ClinVar's aggregate classification.
Comment: Nonsense variant predicted to result in protein truncation or nonsense mediated decay in a gene for which loss-of-function is a known mechanism of disease; Observed in individuals with a personal or family history consistent with pathogenic variants in this gene (PMID: 8988179, 11844822, 19329713, 24556621, 24728189, 27153395, 30515680); Not observed at significant frequency in large population cohorts (gnomAD); Truncating variants in this gene are considered pathogenic by a well-established clinical consortium and/or database; Also known as 6137C>A; This variant is associated with the following publications: (PMID: 17688236, 11938448, 20609467, 8988179, 32986223, 28888541, 24556621, 21120943, 20736950, 25682074, 19329713, 27225819, 10359546, 24728189, 15131399, 11844822, 27153395, 30515680, 33646313, 29084914, 31090900, 29446198, 25525159, 30787465, 33087929, 33804961, 35892882, 34887416)

Color Diagnostics, LLC DBA Color Health
Classification: Pathogenic for Hereditary cancer-predisposing syndrome. Last evaluated: 2024-01-29. Review status: criteria provided, single submitter. Criteria: ACMG Guidelines, 2015. Collection method: clinical testing. Allele origin: germline. Not counted in ClinVar's aggregate classification.
Comment: This variant changes 1 nucleotide in exon 11 of the BRCA2 gene, creating a premature translation stop signal. This variant is expected to result in an absent or non-functional protein product. This variant has been reported in individuals affected with breast and/or ovarian cancer (PMID: 8988179,10359546, 11844822, 14672397, 19329713, 21120943, 24728189, 25682074, 27153395, 27469594), and prostate cancer (PMID: 24556621). This variant has not been identified in the general population by the Genome Aggregation Database (gnomAD). Loss of BRCA2 function is a known mechanism of disease. Based on the available evidence, this variant is classified as Pathogenic.

All of Us Research Program, National Institutes of Health
Classification: Pathogenic for Breast-ovarian cancer, familial, susceptibility to, 2. Last evaluated: 2023-11-28. Review status: criteria provided, single submitter. Criteria: ACMG Guidelines, 2015. Collection method: clinical testing. Allele origin: germline. Inheritance: Autosomal dominant inheritance. Observed: 1 variant allele, 1 heterozygote. Not counted in ClinVar's aggregate classification.
Comment: This variant changes 1 nucleotide in exon 11 of the BRCA2 gene, creating a premature translation stop signal. This variant is expected to result in an absent or non-functional protein product. This variant has been reported in individuals affected with breast and/or ovarian cancer (PMID: 8988179,10359546, 11844822, 14672397, 19329713, 21120943, 24728189, 25682074, 27153395, 27469594), and prostate cancer (PMID: 24556621). This variant has not been identified in the general population by the Genome Aggregation Database (gnomAD). Loss of BRCA2 function is a known mechanism of disease. Based on the available evidence, this variant is classified as Pathogenic.

This study involves interpretation of variants in research participants for the purpose of population health screening. Participant phenotype was not available at the time of variant classification. Additional details can be found in publication PMID: 35346344, PMCID: PMC8962531